The following is an entry in ClinVar:

NM_002691.4(POLD1):c.2472G>A (p.Met824Ile)

Gene: POLD1 (DNA polymerase delta 1, catalytic subunit; plus strand). Cytogenetic location: 19q13.33.
Variant type: single nucleotide variant.
Coding change: c.2472G>A on transcript NM_002691.4 (MANE Select); coding-DNA position 2472, G replaced by A.
Protein change: p.Met824Ile; replaces methionine 824 with isoleucine.
Molecular consequence: missense variant. On other transcripts: non-coding transcript variant (1).
Genome position (GRCh38, 1-based): chr19:50,414,898, G>A. VCF-style: chr19-50414898-G-A. GRCh37 (hg19) VCF-style: chr19-50918155-G-A.
Other names: c.2472G>A (NM_002691.2); c.2472G>A, p.Met824Ile (NM_001256849.1); c.2550G>A, p.Met850Ile (NM_001308632.1); short protein forms M824I, M850I.
Identifiers: ClinVar variation 2107319 (VCV002107319.5), dbSNP rs2039219124, ClinGen allele CA406985063.

ClinVar aggregate classification (germline): Uncertain significance. Review status: criteria provided, multiple submitters, no conflicts (2 of 4 stars). 2 submissions from 2 submitters: Uncertain significance (2). Last evaluated 2025-02-03.

Conditions:
Hereditary cancer-predisposing syndrome. Also called: Tumor predisposition; Neoplastic Syndromes, Hereditary; Hereditary Cancer Syndrome; Hereditary neoplastic syndrome. Identifiers: Orphanet 140162, MedGen C0027672, MeSH D009386, MONDO:0015356.
POLD1-related polyposis and colorectal cancer syndrome (CRCS10). Also called: Colorectal cancer 10; COLORECTAL CANCER, SUSCEPTIBILITY TO, ON CHROMOSOME 19q; Colorectal cancer, susceptibility to, 10. Identifiers: Orphanet 220460, MedGen C2675481, MONDO:0012953, OMIM 612591.

Allele frequency attached by ClinVar (database versions not stated): gnomAD exomes below 0.00001; TOPMed 0.00001.
gnomAD v4.1: 1 of 1,609,586 alleles (0.000062%); highest among the groups gnomAD compares: African/African-American, 0.0013%; no homozygotes.

Submissions (2):

Ambry Genetics
Classification: Uncertain significance for Hereditary cancer-predisposing syndrome. Last evaluated: 2025-02-03. Review status: criteria provided, single submitter. Criteria: Ambry Variant Classification Scheme 2023. Collection method: clinical testing. Allele origin: germline.
Comment: The p.M824I variant (also known as c.2472G>A), located in coding exon 19 of the POLD1 gene, results from a G to A substitution at nucleotide position 2472. The methionine at codon 824 is replaced by isoleucine, an amino acid with highly similar properties. This amino acid position is conserved. In addition, this alteration is predicted to be tolerated by in silico analysis. Based on the available evidence, the clinical significance of this variant remains unclear.

Labcorp Genetics (formerly Invitae), Labcorp
Classification: Uncertain significance for POLD1-related polyposis and colorectal cancer syndrome. Last evaluated: 2024-06-16. Review status: criteria provided, single submitter. Criteria: Invitae Variant Classification Sherloc (09022015). Collection method: clinical testing. Allele origin: germline.
Comment: This sequence change replaces methionine, which is neutral and non-polar, with isoleucine, which is neutral and non-polar, at codon 824 of the POLD1 protein (p.Met824Ile). This variant is not present in population databases (gnomAD no frequency). This variant has not been reported in the literature in individuals affected with POLD1-related conditions. ClinVar contains an entry for this variant (Variation ID: 2107319). Advanced modeling of protein sequence and biophysical properties (such as structural, functional, and spatial information, amino acid conservation, physicochemical variation, residue mobility, and thermodynamic stability) performed at Invitae indicates that this missense variant is not expected to disrupt POLD1 protein function with a negative predictive value of 80%. In summary, the available evidence is currently insufficient to determine the role of this variant in disease. Therefore, it has been classified as a Variant of Uncertain Significance.